The following is an entry in ClinVar:

NM_000719.7(CACNA1C):c.1251C>T (p.Ala417=)

Gene: CACNA1C (calcium voltage-gated channel subunit alpha1 C; plus strand). Cytogenetic location: 12p13.33.
Variant type: single nucleotide variant.
Coding change: c.1251C>T on transcript NM_000719.7 (MANE Select); coding-DNA position 1251, C replaced by T.
Protein change: p.Ala417=; no amino-acid change (alanine 417 retained).
Molecular consequence: synonymous variant.
Genome position (GRCh38, 1-based): chr12:2,512,845, C>T. VCF-style: chr12-2512845-C-T. GRCh37 (hg19) VCF-style: chr12-2622011-C-T.
Other names: c.1251C>T, p.Ala417= (NM_001129827.2, NM_001129829.2, NM_001129830.3 and 18 more transcripts); c.1242C>T, p.Ala414= (NM_001129844.2).
Identifiers: ClinVar variation 758965 (VCV000758965.41), dbSNP rs751902029, ClinGen allele CA6388676.

ClinVar aggregate classification (germline): Benign/Likely benign. Review status: criteria provided, multiple submitters, no conflicts (2 of 4 stars). 5 submissions from 5 submitters: Benign (1); Likely benign (4). Last evaluated 2026-04-01.

Conditions:
Long QT syndrome (LQTS). Identifiers: MedGen C0023976, MeSH D008133, MONDO:0002442. Disease mechanism: loss of function. Inheritance: Various modes of inheritance.
Cardiovascular phenotype. Identifiers: MedGen CN230736.

Allele frequency attached by ClinVar (database versions not stated): ExAC 0.00001; gnomAD 0.00001; TOPMed 0.00001; gnomAD exomes 0.00002.
gnomAD v4.1: 24 of 1,613,036 alleles (0.0015%); highest among the groups gnomAD compares: Non-Finnish European, 0.002%; no homozygotes.

Submissions (5):

CeGaT Center for Human Genetics Tuebingen
Classification: Likely benign. Last evaluated: 2026-04-01. Review status: criteria provided, single submitter. Criteria: CeGaT Center For Human Genetics Tuebingen Variant Classification Criteria Version 2. Collection method: clinical testing. Allele origin: germline. Affected: yes. Observed: 3 variant alleles.
Comment: CACNA1C: BP4, BP7

Labcorp Genetics (formerly Invitae), Labcorp
Classification: Likely benign for Long QT syndrome. Last evaluated: 2026-02-03. Review status: criteria provided, single submitter. Criteria: Invitae Variant Classification Sherloc (09022015). Collection method: clinical testing. Allele origin: germline.

Blueprint Genetics
Classification: Likely benign. Last evaluated: 2024-09-19. Review status: criteria provided, single submitter. Criteria: ACMG Guidelines, 2015. Collection method: clinical testing. Allele origin: germline.

Ambry Genetics
Classification: Likely benign for Cardiovascular phenotype. Last evaluated: 2022-10-27. Review status: criteria provided, single submitter. Criteria: Ambry Variant Classification Scheme 2023. Collection method: clinical testing. Allele origin: germline.

GeneDx
Classification: Benign. Last evaluated: 2015-09-14. Review status: criteria provided, single submitter. Criteria: GeneDx Variant Classification Process June 2021. Collection method: clinical testing. Allele origin: germline. Affected: yes.